The following is an entry in ClinVar:

NM_000368.5(TSC1):c.2072T>C (p.Leu691Pro)

Gene: TSC1 (TSC complex subunit 1; minus strand). Cytogenetic location: 9q34.13.
Variant type: single nucleotide variant.
Coding change: c.2072T>C on transcript NM_000368.5 (MANE Select); coding-DNA position 2072, T replaced by C.
Protein change: p.Leu691Pro; replaces leucine 691 with proline.
Molecular consequence: missense variant.
Genome position (GRCh38, 1-based): chr9:132,903,787, A>G on the plus strand (T>C on the coding strand, the complement: TSC1 is on the minus strand). VCF-style: chr9-132903787-A-G. GRCh37 (hg19) VCF-style: chr9-135779174-A-G.
Other names: c.2069T>C, p.Leu690Pro (NM_001162426.2); c.1919T>C, p.Leu640Pro (NM_001162427.2); c.1709T>C, p.Leu570Pro (NM_001362177.2); short protein forms L691P, L640P, L570P, L690P.
Identifiers: ClinVar variation 229873 (VCV000229873.18), dbSNP rs876658244, ClinGen allele CA10578826.
Genomic context (GRCh38, chr9:132,903,787, plus strand): 5'-TGCTGCCTCTTAAAACGCTCATAGAGTAACTGGTTGTGCAGTAAAAGCAACTGGTCTCGG[A>G]GGGTGCGGATCTCATCTGAAGGAGGAGAGCCTGATTGTAAAGCAGAGGGAGGGTGGCAGA-3'
Protein context (NP_000359.1, residues 681-701): GSPPSDEIRT[Leu691Pro]RDQLLLLHNQ

ClinVar aggregate classification (germline): Uncertain significance. Review status: criteria provided, multiple submitters, no conflicts (2 of 4 stars). 3 submissions from 3 submitters: Uncertain significance (3). Last evaluated 2024-10-25.

Conditions:
Hereditary cancer-predisposing syndrome. Also called: Hereditary Cancer Syndrome; Neoplastic Syndromes, Hereditary; Tumor predisposition; Hereditary neoplastic syndrome. Identifiers: Orphanet 140162, MedGen C0027672, MeSH D009386, MONDO:0015356.
Tuberous sclerosis 1 (TSC1). Identifiers: Orphanet 805, MedGen C1854465, MONDO:0008612, OMIM 191100.

Submissions (3):

Ambry Genetics
Classification: Uncertain significance for Hereditary cancer-predisposing syndrome. Last evaluated: 2024-10-25. Review status: criteria provided, single submitter. Criteria: Ambry Variant Classification Scheme 2023. Collection method: clinical testing. Allele origin: germline.
Comment: The p.L691P variant (also known as c.2072T>C), located in coding exon 15 of the TSC1 gene, results from a T to C substitution at nucleotide position 2072. The leucine at codon 691 is replaced by proline, an amino acid with similar properties. This amino acid position is highly conserved in available vertebrate species. In addition, this alteration is predicted to be deleterious by in silico analysis. Based on the available evidence, the clinical significance of this variant remains unclear.

Labcorp Genetics (formerly Invitae), Labcorp
Classification: Uncertain significance for Tuberous sclerosis 1. Last evaluated: 2023-11-06. Review status: criteria provided, single submitter. Criteria: Invitae Variant Classification Sherloc (09022015). Collection method: clinical testing. Allele origin: germline.
Comment: This sequence change replaces leucine, which is neutral and non-polar, with proline, which is neutral and non-polar, at codon 691 of the TSC1 protein (p.Leu691Pro). This variant is not present in population databases (gnomAD no frequency). This variant has not been reported in the literature in individuals affected with TSC1-related conditions. ClinVar contains an entry for this variant (Variation ID: 229873). Advanced modeling of protein sequence and biophysical properties (such as structural, functional, and spatial information, amino acid conservation, physicochemical variation, residue mobility, and thermodynamic stability) has been performed at Invitae for this missense variant, however the output from this modeling did not meet the statistical confidence thresholds required to predict the impact of this variant on TSC1 protein function. In summary, the available evidence is currently insufficient to determine the role of this variant in disease. Therefore, it has been classified as a Variant of Uncertain Significance.

Genome-Nilou Lab
Classification: Uncertain significance for Tuberous sclerosis 1. Last evaluated: 2021-11-07. Review status: criteria provided, single submitter. Criteria: ACMG Guidelines, 2015. Collection method: clinical testing. Allele origin: germline. Affected: no.